The following is an entry in ClinVar:

NM_005619.5(RTN2):c.464G>T (p.Gly155Val)

Genes: OPA3-RTN2 (OPA3-RTN2 readthrough; minus strand), RTN2 (reticulon 2; minus strand). Cytogenetic location: 19q13.32.
Variant type: single nucleotide variant.
Coding change: c.464G>T on transcript NM_005619.5 (MANE Select); coding-DNA position 464, G replaced by T.
Protein change: p.Gly155Val; replaces glycine 155 with valine.
Molecular consequence: missense variant.
Genome position (GRCh38, 1-based): chr19:45,494,621, C>A on the plus strand (G>T on the coding strand, the complement: RTN2 is on the minus strand). VCF-style: chr19-45494621-C-A. GRCh37 (hg19) VCF-style: chr19-45997879-C-A.
Other names: c.464G>T, p.Gly155Val (NM_206900.3); short protein forms G155V.
Identifiers: ClinVar variation 4749671 (VCV004749671.1).

ClinVar aggregate classification (germline): Uncertain significance (1 of 4 stars; one submission).

Conditions:
Spastic paraplegia. Identifiers: MedGen C0037772, HP:0001258.

gnomAD v4.1: 5 of 1,613,998 alleles (0.00031%); highest among the groups gnomAD compares: Non-Finnish European, 0.00042%; no homozygotes.

Submission:

Labcorp Genetics (formerly Invitae), Labcorp
Classification: Uncertain significance for Spastic paraplegia. Last evaluated: 2026-01-04. Review status: criteria provided, single submitter. Criteria: Invitae Variant Classification Sherloc (09022015). Collection method: clinical testing. Allele origin: germline.
Comment: This sequence change replaces glycine, which is neutral and non-polar, with valine, which is neutral and non-polar, at codon 155 of the RTN2 protein (p.Gly155Val). This variant is not present in population databases (gnomAD no frequency). This variant has not been reported in the literature in individuals affected with RTN2-related conditions. An algorithm developed to predict the effect of missense changes on protein structure and function outputs the following: PolyPhen-2: "Benign". The valine amino acid residue is found in multiple mammalian species, which suggests that this missense change does not adversely affect protein function. In summary, the available evidence is currently insufficient to determine the role of this variant in disease. Therefore, it has been classified as a Variant of Uncertain Significance.